The following is an entry in ClinVar:

ClinVar aggregate classification (germline): Likely benign (1 of 4 stars; one submission).

Conditions:
Spondylometaphyseal dysplasia - Sutcliffe type. Also called: Spondylometaphyseal Dysplasia, Corner Fracture Type; Sutcliffe type of spondylometaphyseal dysplasia; Sutcliffe SMD; Spondylometaphyseal dysplasia, 'corner fracture' type. Identifiers: Orphanet 93315, MedGen C0432221, MONDO:0008479, OMIM 184255.

Submission:

Centre for Medical Genetics,  Mumbai
Classification: Likely benign for Spondylometaphyseal dysplasia - Sutcliffe type. Last evaluated: 2026-04-15. Review status: criteria provided, single submitter. Criteria: ACMG Guidelines, 2015. Collection method: provider interpretation. Allele origin: germline. Inheritance: Autosomal recessive inheritance. Affected: no. Observed: 1 variant allele, 1 heterozygote.
Comment: The variant satisfies PM2 criteria - extremely low frequency in gnomAD population databases. The variant satisfies PVS1 criteria - null variant in a gene where loss of function is a known mechanism of disease. However, the variant satisfies BS2 criteria - present in heterozygous state in an individual that clinically does not have Spondylometaphyseal dysplasia, corner fracture type.

Literature cited by the submitters: PubMed 29100092.

NM_212482.4(FN1):c.7362+1G>A

Genes: ATIC (5-aminoimidazole-4-carboxamide ribonucleotide formyltransferase/IMP cyclohydrolase; plus strand), FN1 (fibronectin 1; minus strand). Cytogenetic location: 2q35.
Variant type: single nucleotide variant.
Coding change: c.7362+1G>A on transcript NM_212482.4 (MANE Select); the canonical splice donor site of the intron after coding-DNA position 7362, G replaced by A.
Molecular consequence: splice donor variant.
Genome position (GRCh38, 1-based): chr2:215,361,968, C>T on the plus strand (G>A on the coding strand, the complement: FN1 is on the minus strand). VCF-style: chr2-215361968-C-T. GRCh37 (hg19) VCF-style: chr2-216226691-C-T.
Other names: c.6459+1G>A (NM_212474.3); c.6651+1G>A (NM_001306132.2); c.6744+1G>A (NM_001365523.2); c.6726+1G>A (NM_001306131.2); c.6819+1G>A (NM_212476.3); c.6729+1G>A (NM_001365524.2); c.6921+1G>A (NM_212478.3); c.7014+1G>A (NM_001365520.2); and 8 more.
Identifiers: ClinVar variation 4851376 (VCV004851376.1).